The following is an entry in ClinVar:

ClinVar aggregate classification (germline): Uncertain significance. Review status: criteria provided, multiple submitters, no conflicts (2 of 4 stars). 2 submissions from 2 submitters: Uncertain significance (2). Last evaluated 2022-09-07.

Allele frequency attached by ClinVar (database versions not stated): gnomAD exomes below 0.00001.
gnomAD v4.1: 3 of 1,613,984 alleles (0.00019%); highest among the groups gnomAD compares: Non-Finnish European, 0.00017%; no homozygotes.

Submissions (2):

Labcorp Genetics (formerly Invitae), Labcorp
Classification: Uncertain significance. Last evaluated: 2022-09-07. Review status: criteria provided, single submitter. Criteria: Invitae Variant Classification Sherloc (09022015). Collection method: clinical testing. Allele origin: germline.
Comment: This variant is not present in population databases (gnomAD no frequency). In summary, the available evidence is currently insufficient to determine the role of this variant in disease. Therefore, it has been classified as a Variant of Uncertain Significance. This variant disrupts the p.Cys498 amino acid residue in GDF5. Other variant(s) that disrupt this residue have been observed in individuals with GDF5-related conditions (PMID: 12357473, 33726816; Invitae), which suggests that this may be a clinically significant amino acid residue. Algorithms developed to predict the effect of missense changes on protein structure and function (SIFT, PolyPhen-2, Align-GVGD) all suggest that this variant is likely to be disruptive. This missense change has been observed in individual(s) with brachydactyly type C (Invitae). This sequence change replaces cysteine, which is neutral and slightly polar, with arginine, which is basic and polar, at codon 498 of the GDF5 protein (p.Cys498Arg).

GeneDx
Classification: Uncertain significance. Last evaluated: 2022-02-14. Review status: criteria provided, single submitter. Criteria: GeneDx Variant Classification Process June 2021. Collection method: clinical testing. Allele origin: germline. Affected: yes.
Comment: Not observed at significant frequency in large population cohorts (gnomAD); In silico analysis supports that this missense variant has a deleterious effect on protein structure/function; Has not been previously published as pathogenic or benign to our knowledge

Literature cited by the submitters: PubMed 12357473 (cited by Labcorp Genetics (formerly Invitae), Labcorp); PubMed 33726816 (cited by Labcorp Genetics (formerly Invitae), Labcorp).

NM_000557.5(GDF5):c.1492T>C (p.Cys498Arg)

Genes: GDF5 (growth differentiation factor 5; minus strand), GDF5-AS1 (GDF5 antisense RNA 1; plus strand). Cytogenetic location: 20q11.22.
Variant type: single nucleotide variant.
Coding change: c.1492T>C on transcript NM_000557.5 (MANE Select); coding-DNA position 1492, T replaced by C.
Protein change: p.Cys498Arg; replaces cysteine 498 with arginine.
Molecular consequence: missense variant. On other transcripts: non-coding transcript variant (1).
Genome position (GRCh38, 1-based): chr20:35,433,923, A>G on the plus strand (T>C on the coding strand, the complement: GDF5 is on the minus strand). VCF-style: chr20-35433923-A-G. GRCh37 (hg19) VCF-style: chr20-34021721-A-G.
Other names: c.1492T>C, p.Cys498Arg (NM_001319138.2); short protein forms C498R.
Identifiers: ClinVar variation 1704939 (VCV001704939.7), dbSNP rs2062454623, ClinGen allele CA408737101.
Genomic context (GRCh38, chr20:35,433,923, plus strand): 5'-GGGGCTCTTGGGATGTGCCACCCAGGAAGACAGAGGGCCAGTGCTGCTACCTGCAGCCAC[A>G]CGACTCCACGACCATGTCCTCATACTGCTTATACACCACGTTGTTGGCAGAGTCAATGAA-3'
Protein context (NP_000548.2, residues 488-501): KQYEDMVVES[Cys498Arg]GCR